The following is an entry in ClinVar:

NM_020822.3(KCNT1):c.2136C>T (p.Pro712=)

Gene: KCNT1 (potassium sodium-activated channel subfamily T member 1; plus strand). Cytogenetic location: 9q34.3.
Variant type: single nucleotide variant.
Coding change: c.2136C>T on transcript NM_020822.3 (MANE Select); coding-DNA position 2136, C replaced by T.
Protein change: p.Pro712=; no amino-acid change (proline 712 retained).
Molecular consequence: synonymous variant.
Genome position (GRCh38, 1-based): chr9:135,772,842, C>T. VCF-style: chr9-135772842-C-T. GRCh37 (hg19) VCF-style: chr9-138664688-C-T.
Other names: c.2001C>T, p.Pro667= (NM_001272003.2).
Identifiers: ClinVar variation 384650 (VCV000384650.50), dbSNP rs377516058, ClinGen allele CA5327193.

ClinVar aggregate classification (germline): Likely benign. Review status: criteria provided, multiple submitters, no conflicts (2 of 4 stars). 10 submissions from 9 submitters: Likely benign (10). Last evaluated 2026-01-26.

Conditions:
Inborn genetic diseases. Identifiers: MedGen C0950123, MeSH D030342.
Developmental and epileptic encephalopathy, 14 (DEE14). Also called: Early infantile epileptic encephalopathy 14. Identifiers: Orphanet 293181, MedGen C3554195, MONDO:0013989, OMIM 614959.
Autosomal dominant nocturnal frontal lobe epilepsy 5. Also called: CILIARY DYSKINESIA, PRIMARY, 28, WITHOUT SITUS INVERSUS; CILIARY DYSKINESIA, PRIMARY, 28, WITH SITUS INVERSUS; KCNT1-Related Epilepsy; Epilepsy, nocturnal frontal lobe, 5. Identifiers: Orphanet 98784, MedGen C3554306, MONDO:0014002, OMIM 615005.

Allele frequency attached by ClinVar (database versions not stated): ESP Exome Variant Server 0.00016; gnomAD 0.00020 and 0.00023; gnomAD exomes 0.00024 and 0.00031; TOPMed 0.00033; 1000 Genomes Project 30x 0.00047; 1000 Genomes Project 0.00060; ExAC 0.00107.
gnomAD v4.1: 387 of 1,541,362 alleles (0.025%); highest among the groups gnomAD compares: Middle Eastern, 0.48%; 2 homozygotes.

Submissions (10):

Labcorp Genetics (formerly Invitae), Labcorp
Classification: Likely benign for Autosomal dominant nocturnal frontal lobe epilepsy 5; Developmental and epileptic encephalopathy, 14. Last evaluated: 2026-01-26. Review status: criteria provided, single submitter. Criteria: Invitae Variant Classification Sherloc (09022015). Collection method: clinical testing. Allele origin: germline.

Women's Health and Genetics/Laboratory Corporation of America, LabCorp
Classification: Likely benign. Last evaluated: 2025-11-19. Review status: criteria provided, single submitter. Criteria: LabCorp Variant Classification Summary - May 2015. Collection method: clinical testing. Allele origin: germline.

Blueprint Genetics
Classification: Likely benign. Last evaluated: 2024-11-12. Review status: criteria provided, single submitter. Criteria: ACMG Guidelines, 2015. Collection method: clinical testing. Allele origin: germline.

CeGaT Center for Human Genetics Tuebingen
Classification: Likely benign. Last evaluated: 2024-11-01. Review status: criteria provided, single submitter. Criteria: CeGaT Center For Human Genetics Tuebingen Variant Classification Criteria Version 2. Collection method: clinical testing. Allele origin: germline. Affected: yes. Observed: 5 variant alleles.
Comment: KCNT1: BP4, BP7

Genome-Nilou Lab
Classification: Likely benign for Developmental and epileptic encephalopathy, 14. Last evaluated: 2022-03-15. Review status: criteria provided, single submitter. Criteria: ACMG Guidelines, 2015. Collection method: clinical testing. Allele origin: germline. Affected: no.

Genome-Nilou Lab
Classification: Likely benign for Autosomal dominant nocturnal frontal lobe epilepsy 5. Last evaluated: 2022-03-15. Review status: criteria provided, single submitter. Criteria: ACMG Guidelines, 2015. Collection method: clinical testing. Allele origin: germline. Affected: no.

GeneDx
Classification: Likely benign. Last evaluated: 2020-07-14. Review status: criteria provided, single submitter. Criteria: GeneDx Variant Classification Process June 2021. Collection method: clinical testing. Allele origin: germline. Affected: yes.

Ambry Genetics
Classification: Likely benign for Inborn genetic diseases. Last evaluated: 2017-07-27. Review status: criteria provided, single submitter. Criteria: Ambry Variant Classification Scheme 2023. Collection method: clinical testing. Allele origin: germline.

Athena Diagnostics
Classification: Likely benign. Last evaluated: 2016-11-15. Review status: criteria provided, single submitter. Criteria: Athena Diagnostics Criteria. Collection method: clinical testing. Allele origin: germline.

Breakthrough Genomics
Classification: Likely benign. Review status: criteria provided, single submitter. Criteria: ACMG Guidelines, 2015. Collection method: not provided. Allele origin: germline. Inheritance: Autosomal dominant inheritance. Affected: yes.